The following is an entry in ClinVar:

ClinVar aggregate classification (germline): Uncertain significance (1 of 4 stars; one submission).

Conditions:
Cardiovascular phenotype. Identifiers: MedGen CN230736.

gnomAD v4.1: 4 of 1,614,120 alleles (0.00025%); highest among the groups gnomAD compares: Non-Finnish European, 0.000085%; no homozygotes.

Submission:

Ambry Genetics
Classification: Uncertain significance for Cardiovascular phenotype. Last evaluated: 2025-02-06. Review status: criteria provided, single submitter. Criteria: Ambry Variant Classification Scheme 2023. Collection method: clinical testing. Allele origin: germline.
Comment: The p.N3386Y variant (also known as c.10156A>T), located in coding exon 38 of the ANK2 gene, results from an A to T substitution at nucleotide position 10156. The asparagine at codon 3386 is replaced by tyrosine, an amino acid with dissimilar properties. This amino acid position is conserved. In addition, this alteration is predicted to be tolerated by in silico analysis. Based on the available evidence, the clinical significance of this variant remains unclear.

NM_001148.6(ANK2):c.10156A>T (p.Asn3386Tyr)

Gene: ANK2 (ankyrin 2; plus strand). Cytogenetic location: 4q26.
Variant type: single nucleotide variant.
Coding change: c.10156A>T on transcript NM_001148.6 (MANE Select); coding-DNA position 10156, A replaced by T.
Protein change: p.Asn3386Tyr; replaces asparagine 3386 with tyrosine.
Molecular consequence: missense variant. On other transcripts: intron variant (68).
Genome position (GRCh38, 1-based): chr4:113,358,774, A>T. VCF-style: chr4-113358774-A-T. GRCh37 (hg19) VCF-style: chr4-114279930-A-T.
Other names: c.9922A>T, p.Asn3308Tyr (NM_001386142.1); c.6556A>T, p.Asn2186Tyr (NM_001386166.1); c.10297A>T, p.Asn3433Tyr (NM_001386174.1); c.10273A>T, p.Asn3425Tyr (NM_001386175.1); c.4412-2049A>T (NM_001386186.2, NM_001386148.2); c.4214-2049A>T (NM_001354269.3); c.4292-2049A>T (NM_001386187.2); c.4253-2049A>T (NM_001386147.1); and 35 more; short protein forms N2186Y, N3433Y, N3308Y, N3386Y, N3425Y.
Identifiers: ClinVar variation 3864203 (VCV003864203.1).
Genomic context (GRCh38, chr4:113,358,774, plus strand): 5'-ACCTCTGTCCAGAAGACAGTGGCTCCTCAGGGACAGGACATGGCAAGCATCGCACCAGAT[A>T]ATAGAAGCAAATCTGAATCTGATGCTAGTTCTTTGGATTCAAAGACCAAATGCCCAGTAA-3'
Protein context (NP_001139.3, residues 3376-3396): GQDMASIAPD[Asn3386Tyr]RSKSESDASS